The following is an entry in ClinVar:

ClinVar aggregate classification (germline): Uncertain significance (1 of 4 stars; one submission).

Conditions:
Hereditary cancer-predisposing syndrome. Also called: Hereditary neoplastic syndrome; Neoplastic Syndromes, Hereditary; Tumor predisposition; Hereditary Cancer Syndrome. Identifiers: Orphanet 140162, MedGen C0027672, MeSH D009386, MONDO:0015356.

Submission:

Ambry Genetics
Classification: Uncertain significance for Hereditary cancer-predisposing syndrome. Last evaluated: 2025-08-27. Review status: criteria provided, single submitter. Criteria: Ambry Variant Classification Scheme 2023. Collection method: clinical testing. Allele origin: germline.
Comment: The p.Q141R variant (also known as c.422A>G), located in coding exon 5 of the MUTYH gene, results from an A to G substitution at nucleotide position 422. The glutamine at codon 141 is replaced by arginine, an amino acid with highly similar properties. This amino acid position is conserved. In addition, this alteration is predicted to be deleterious by in silico analysis. Based on the available evidence, the clinical significance of this variant remains unclear.

NM_001048174.2(MUTYH):c.338A>G (p.Gln113Arg)

Gene: MUTYH (mutY DNA glycosylase; minus strand). Cytogenetic location: 1p34.1.
Variant type: single nucleotide variant.
Coding change: c.338A>G on transcript NM_001048174.2 (MANE Select); coding-DNA position 338, A replaced by G.
Protein change: p.Gln113Arg; replaces glutamine 113 with arginine.
Molecular consequence: missense variant. On other transcripts: non-coding transcript variant (6), intron variant (3).
Genome position (GRCh38, 1-based): chr1:45,333,137, T>C on the plus strand (A>G on the coding strand, the complement: MUTYH is on the minus strand). VCF-style: chr1-45333137-T-C. GRCh37 (hg19) VCF-style: chr1-45798809-T-C.
Other names: c.338A>G, p.Gln113Arg (NM_001407072.1, NM_001407080.1, NM_001407081.1 and 6 more transcripts); c.380A>G, p.Gln127Arg (NM_001407073.1, NM_001407083.1, NM_001407085.1); c.254A>G, p.Gln85Arg (NM_001407075.1); c.371A>G, p.Gln124Arg (NM_001407077.1, NM_001293191.2); c.341A>G, p.Gln114Arg (NM_001407078.1, NM_001407079.1, NM_001407086.1 and 2 more transcripts); c.359A>G, p.Gln120Arg (NM_001407087.1); c.62A>G, p.Gln21Arg (NM_001407091.1, NM_001293192.2, NM_001293196.2); c.413A>G, p.Gln138Arg (NM_012222.3, NM_001407069.1); and 3 more; short protein forms Q120R, Q127R, Q113R, Q21R, Q85R, Q114R, Q124R, Q141R.
Identifiers: ClinVar variation 4113649 (VCV004113649.1).
Genomic context (GRCh38, chr1:45,333,137, plus strand): 5'-CCTTCCTCCCCTGGAGTCACCTGCATCCATCCGGTATAGTAGTTGATCACAGTGGCAACC[T>C]GGGTCTGCTGCAGCATGACCTCTGAGACCCACACTGGGGGAAAGGGGTTGGCATGAGGAC-3'
Protein context (NP_001041639.1, residues 103-123): WVSEVMLQQT[Gln113Arg]VATVINYYTG